The following is an entry in ClinVar:

NM_018965.4(TREM2):c.346A>T (p.Ser116Cys)

Gene: TREM2 (triggering receptor expressed on myeloid cells 2; minus strand). Cytogenetic location: 6p21.1.
Variant type: single nucleotide variant.
Coding change: c.346A>T on transcript NM_018965.4 (MANE Select); coding-DNA position 346, A replaced by T.
Protein change: p.Ser116Cys; replaces serine 116 with cysteine.
Molecular consequence: missense variant.
Genome position (GRCh38, 1-based): chr6:41,161,308, T>A on the plus strand (A>T on the coding strand, the complement: TREM2 is on the minus strand). VCF-style: chr6-41161308-T-A. GRCh37 (hg19) VCF-style: chr6-41129046-T-A.
Other names: c.346A>T, p.Ser116Cys (NM_001271821.2); short protein forms S116C.
Identifiers: ClinVar variation 1394089 (VCV001394089.8), dbSNP rs2113879950, ClinGen allele CA364058734.

ClinVar aggregate classification (germline): Uncertain significance. Review status: criteria provided, multiple submitters, no conflicts (2 of 4 stars). 2 submissions from 2 submitters: Uncertain significance (2). Last evaluated 2022-08-24.

Conditions:
Polycystic lipomembranous osteodysplasia with sclerosing leukoencephalopathy 2. Also called: TREM2-Related Polycystic Lipomembranous Osteodysplasia with Sclerosing Leukoencephalopathy. Identifiers: MedGen C4748657, MONDO:0020750, OMIM 618193.

Allele frequency attached by ClinVar (database versions not stated): gnomAD exomes 0.00001.
gnomAD v4.1: 11 of 1,614,192 alleles (0.00068%); highest among the groups gnomAD compares: Non-Finnish European, 0.00085%; no homozygotes.

Submissions (2):

Revvity Omics, Revvity
Classification: Uncertain significance for Polycystic lipomembranous osteodysplasia with sclerosing leukoencephalopathy 2. Last evaluated: 2022-08-24. Review status: criteria provided, single submitter. Criteria: ACMG Guidelines, 2015. Collection method: clinical testing. Allele origin: germline.

Labcorp Genetics (formerly Invitae), Labcorp
Classification: Uncertain significance. Last evaluated: 2021-06-08. Review status: criteria provided, single submitter. Criteria: Invitae Variant Classification Sherloc (09022015). Collection method: clinical testing. Allele origin: germline.
Comment: In summary, the available evidence is currently insufficient to determine the role of this variant in disease. Therefore, it has been classified as a Variant of Uncertain Significance. Algorithms developed to predict the effect of missense changes on protein structure and function are either unavailable or do not agree on the potential impact of this missense change (SIFT: "Tolerated"; PolyPhen-2: "Possibly Damaging"; Align-GVGD: "Class C15"). This variant has been observed in individual(s) with frontotemporal dementia (PMID: 24139279). This variant is not present in population databases (ExAC no frequency). This sequence change replaces serine with cysteine at codon 116 of the TREM2 protein (p.Ser116Cys). The serine residue is weakly conserved and there is a moderate physicochemical difference between serine and cysteine.

Literature cited by the submitters: PubMed 24139279 (cited by Labcorp Genetics (formerly Invitae), Labcorp).